The following is an entry in ClinVar:

ClinVar aggregate classification (germline): Pathogenic (1 of 4 stars; one submission).

Conditions:
Fetal anomalies with a likely genetic cause.

gnomAD v4.1: 1 of 1,610,492 alleles (0.000062%); highest among the groups gnomAD compares: East Asian, 0.0022%; no homozygotes.

Submission:

Genetics Laboratory, Great Ormond Street Hospital NHS Foundation Trust, North Thames Genomic Laboratory Hub
Classification: Pathogenic for Fetal anomalies with a likely genetic cause. Last evaluated: 2026-02-19. Review status: criteria provided, single submitter. Criteria: ACGS Best Practice Guidelines for Variant Classification in Rare Disease 2024 v1.2. Collection method: clinical testing. Allele origin: germline. Affected: yes.
Comment: PM2_moderate, PVS1_very-strong, PM3_supporting

NM_006031.6(PCNT):c.9099+2T>C

Gene: PCNT (pericentrin; plus strand). Cytogenetic location: 21q22.3.
Variant type: single nucleotide variant.
Coding change: c.9099+2T>C on transcript NM_006031.6 (MANE Select); the canonical splice donor site of the intron after coding-DNA position 9099, T replaced by C.
Molecular consequence: splice donor variant.
Genome position (GRCh38, 1-based): chr21:46,437,083, T>C. VCF-style: chr21-46437083-T-C. GRCh37 (hg19) VCF-style: chr21-47856996-T-C.
Other names: c.8508+2T>C (NM_001315529.2).
Identifiers: ClinVar variation 4820299 (VCV004820299.1).